The following is an entry in ClinVar:

ClinVar aggregate classification (germline): Benign. Review status: criteria provided, single submitter (1 of 4 stars). 2 submissions from 2 submitters: Benign (1). 1 of the submissions does not count toward it. Last evaluated 2019-08-21.

Conditions:
RARS2-related disorder. Also called: RARS2-related condition.

Submissions (2):

GeneDx
Classification: Benign. Last evaluated: 2019-08-21. Review status: criteria provided, single submitter. Criteria: GeneDx Variant Classification Process June 2021. Collection method: clinical testing. Allele origin: germline. Affected: yes.

PreventionGenetics, part of Exact Sciences
Classification: Benign for RARS2-related condition. Last evaluated: 2022-03-28. Review status: no assertion criteria provided. Collection method: clinical testing. Allele origin: germline. Not counted in ClinVar's aggregate classification.
Comment: This variant is classified as benign based on ACMG/AMP sequence variant interpretation guidelines (Richards et al. 2015 PMID: 25741868, with internal and published modifications).

NM_020320.5(RARS2):c.*101dup

Gene: RARS2 (arginyl-tRNA synthetase 2, mitochondrial; minus strand). Cytogenetic location: 6q15.
Variant type: Duplication.
Coding change: c.*101dup on transcript NM_020320.5 (MANE Select); 101 bases downstream of the stop codon, one base duplicated (T; older notation c.*101dupT).
Molecular consequence: 3 prime UTR variant. On other transcripts: non-coding transcript variant (17), intron variant (2).
Genome position (GRCh38, 1-based): chr6:87,514,312, A duplicated on the plus strand (T on the coding strand, the reverse complement: RARS2 is on the minus strand); the first of 18 consecutive A bases (chr6:87,514,312-87,514,329); duplicating any one gives the same sequence. VCF-style (leftmost placement, unchanged base first): chr6-87514311-C-CA. GRCh37 (hg19) VCF-style: chr6-88224029-C-CA.
Other names: c.*101dup (NM_001318785.2, NM_001350507.2, NM_001350508.2 and 3 more transcripts); c.1723-21dup (NM_001350505.2); c.1198-21dup (NM_001350506.2); c.1198-4dupT (NM_001350506.1).
Identifiers: ClinVar variation 1221069 (VCV001221069.5), dbSNP rs5878032, ClinGen allele CA142839372.
Genomic context (GRCh38, chr6:87,514,311, plus strand): 5'-CAGTGAGCCAACATCACACCATTGCACTCCAGCCTGGGCAACAAGAGCGAAACTCCATCT[C>CA]AAAAAAAAAAAAAAAAAATTTAAATTTATTCTGAACAGCAAGGCATCTCAGAATAGATAA-3'